The following is an entry in ClinVar:

ClinVar aggregate classification (germline): Uncertain significance (1 of 4 stars; one submission).

Conditions:
Catecholaminergic polymorphic ventricular tachycardia 1. Also called: VENTRICULAR TACHYCARDIA, CATECHOLAMINERGIC POLYMORPHIC, 1, WITH OR WITHOUT ATRIAL DYSFUNCTION AND/OR DILATED CARDIOMYOPATHY; VENTRICULAR TACHYCARDIA, STRESS-INDUCED POLYMORPHIC 1; RYR2-Related Catecholaminergic Polymorphic Ventricular Tachycardia. Identifiers: Orphanet 3286, MedGen C1631597, MONDO:0011484, OMIM 604772.

gnomAD v4.1: 1 of 1,613,638 alleles (0.000062%); highest among the groups gnomAD compares: African/African-American, 0.0013%; no homozygotes.

Submission:

Labcorp Genetics (formerly Invitae), Labcorp
Classification: Uncertain significance for Catecholaminergic polymorphic ventricular tachycardia 1. Last evaluated: 2023-03-19. Review status: criteria provided, single submitter. Criteria: Invitae Variant Classification Sherloc (09022015). Collection method: clinical testing. Allele origin: germline.
Comment: This variant has not been reported in the literature in individuals affected with RYR2-related conditions. This variant is not present in population databases (gnomAD no frequency). This sequence change replaces cysteine, which is neutral and slightly polar, with phenylalanine, which is neutral and non-polar, at codon 3205 of the RYR2 protein (p.Cys3205Phe). ClinVar contains an entry for this variant (Variation ID: 1352409). In summary, the available evidence is currently insufficient to determine the role of this variant in disease. Therefore, it has been classified as a Variant of Uncertain Significance. Advanced modeling of protein sequence and biophysical properties (such as structural, functional, and spatial information, amino acid conservation, physicochemical variation, residue mobility, and thermodynamic stability) performed at Invitae indicates that this missense variant is expected to disrupt RYR2 protein function.

NM_001035.3(RYR2):c.9614G>T (p.Cys3205Phe)

Gene: RYR2 (ryanodine receptor 2; plus strand). Cytogenetic location: 1q43.
Variant type: single nucleotide variant.
Coding change: c.9614G>T on transcript NM_001035.3 (MANE Select); coding-DNA position 9614, G replaced by T.
Protein change: p.Cys3205Phe; replaces cysteine 3205 with phenylalanine.
Molecular consequence: missense variant.
Genome position (GRCh38, 1-based): chr1:237,706,982, G>T. VCF-style: chr1-237706982-G-T. GRCh37 (hg19) VCF-style: chr1-237870282-G-T.
Other names: short protein forms C3205F.
Identifiers: ClinVar variation 1352409 (VCV001352409.9), dbSNP rs2149058149, ClinGen allele CA345408410.